The following is an entry in ClinVar:

ClinVar aggregate classification (germline): Benign (1 of 4 stars; one submission).

Allele frequency attached by ClinVar (database versions not stated): gnomAD 0.00077; 1000 Genomes Project 0.00080; ExAC 0.00085; 1000 Genomes Project 30x 0.00094; ESP Exome Variant Server 0.00153.
gnomAD v4.1: 2,191 of 1,613,852 alleles (0.14%); highest among the groups gnomAD compares: Non-Finnish European, 0.17%; 4 homozygotes.

Submission:

CeGaT Center for Human Genetics Tuebingen
Classification: Benign. Last evaluated: 2022-07-01. Review status: criteria provided, single submitter. Criteria: CeGaT Center For Human Genetics Tuebingen Variant Classification Criteria Version 2. Collection method: clinical testing. Allele origin: germline. Affected: yes. Observed: 1 variant allele.
Comment: SPTBN5: BS1, BS2

NM_016642.4(SPTBN5):c.7026C>T (p.Leu2342=)

Gene: SPTBN5 (spectrin beta, non-erythrocytic 5; minus strand). Cytogenetic location: 15q15.1.
Variant type: single nucleotide variant.
Coding change: c.7026C>T on transcript NM_016642.4 (MANE Select); coding-DNA position 7026, C replaced by T.
Protein change: p.Leu2342=; no amino-acid change (leucine 2342 retained).
Molecular consequence: synonymous variant.
Genome position (GRCh38, 1-based): chr15:41,863,917, G>A on the plus strand (C>T on the coding strand, the complement: SPTBN5 is on the minus strand). VCF-style: chr15-41863917-G-A. GRCh37 (hg19) VCF-style: chr15-42156115-G-A.
Identifiers: ClinVar variation 2645215 (VCV002645215.24), dbSNP rs150485948, ClinGen allele CA7502404.